The following is an entry in ClinVar:

ClinVar aggregate classification (germline): Conflicting classifications of pathogenicity. Review status: criteria provided, conflicting classifications (1 of 4 stars). 3 submissions from 3 submitters: Likely pathogenic (2); Uncertain significance (1). Last evaluated 2025-09-23.

Conditions:
Very long chain acyl-CoA dehydrogenase deficiency (ACADVLD). Also called: VLCAD Deficiency; Very Long-Chain Acyl-Coenzyme A Dehydrogenase Deficiency. Identifiers: Orphanet 26793, MedGen C3887523, MONDO:0008723, OMIM 201475.

Allele frequency attached by ClinVar (database versions not stated): gnomAD exomes 0.00001; ExAC 0.00003; gnomAD 0.00003.
gnomAD v4.1: 15 of 1,614,064 alleles (0.00093%); highest among the groups gnomAD compares: South Asian, 0.012%; no homozygotes.

Submissions (3):

First Genomix Gene Laboratory, Genetic Diagnostics Department
Classification: Likely pathogenic for Very long chain acyl-CoA dehydrogenase deficiency. Last evaluated: 2025-09-23. Review status: criteria provided, single submitter. Criteria: ACMG Guidelines, 2015. Collection method: clinical testing. Allele origin: germline. Inheritance: Autosomal recessive inheritance. Affected: no. Observed: 1 variant allele.

Baylor Genetics
Classification: Likely pathogenic for Very long chain acyl-CoA dehydrogenase deficiency. Last evaluated: 2024-02-06. Review status: criteria provided, single submitter. Criteria: ACMG Guidelines, 2015. Collection method: clinical testing. Allele origin: unknown.

Labcorp Genetics (formerly Invitae), Labcorp
Classification: Uncertain significance for Very long chain acyl-CoA dehydrogenase deficiency. Last evaluated: 2021-09-02. Review status: criteria provided, single submitter. Criteria: Invitae Variant Classification Sherloc (09022015). Collection method: clinical testing. Allele origin: germline.
Comment: This sequence change replaces valine with methionine at codon 93 of the ACADVL protein (p.Val93Met). The valine residue is highly conserved and there is a small physicochemical difference between valine and methionine. This variant also falls at the last nucleotide of exon 4, which is part of the consensus splice site for this exon. This variant is present in population databases (rs768632138, ExAC 0.02%). This variant has not been reported in the literature in individuals affected with ACADVL-related conditions. Algorithms developed to predict the effect of missense changes on protein structure and function are either unavailable or do not agree on the potential impact of this missense change (SIFT: "Tolerated"; PolyPhen-2: "Possibly Damaging"; Align-GVGD: "Class C0"). Variants that disrupt the consensus splice site are a relatively common cause of aberrant splicing (PMID: 17576681, 9536098). Algorithms developed to predict the effect of sequence changes on RNA splicing suggest that this variant may disrupt the consensus splice site. In summary, the available evidence is currently insufficient to determine the role of this variant in disease. Therefore, it has been classified as a Variant of Uncertain Significance.

Literature cited by the submitters: PubMed 17576681 (cited by Labcorp Genetics (formerly Invitae), Labcorp); PubMed 9536098 (cited by Labcorp Genetics (formerly Invitae), Labcorp).

NM_000018.4(ACADVL):c.277G>A (p.Val93Met)

Gene: ACADVL (acyl-CoA dehydrogenase very long chain; plus strand). Cytogenetic location: 17p13.1.
Variant type: single nucleotide variant.
Coding change: c.277G>A on transcript NM_000018.4 (MANE Select); coding-DNA position 277, G replaced by A.
Protein change: p.Val93Met; replaces valine 93 with methionine.
Molecular consequence: missense variant.
Genome position (GRCh38, 1-based): chr17:7,220,676, G>A. VCF-style: chr17-7220676-G-A. GRCh37 (hg19) VCF-style: chr17-7123995-G-A.
Other names: c.211G>A, p.Val71Met (NM_001033859.3); c.346G>A, p.Val116Met (NM_001270447.2); c.49G>A, p.Val17Met (NM_001270448.2); short protein forms V17M, V93M, V116M, V71M.
Identifiers: ClinVar variation 2172652 (VCV002172652.3), dbSNP rs768632138, ClinGen allele CA8337617.